The following is an entry in ClinVar:

NM_004260.4(RECQL4):c.478C>G (p.Pro160Ala)

Gene: RECQL4 (RecQ like helicase 4; minus strand). Cytogenetic location: 8q24.3.
Variant type: single nucleotide variant.
Coding change: c.478C>G on transcript NM_004260.4 (MANE Select); coding-DNA position 478, C replaced by G.
Protein change: p.Pro160Ala; replaces proline 160 with alanine.
Molecular consequence: missense variant.
Genome position (GRCh38, 1-based): chr8:144,516,641, G>C on the plus strand (C>G on the coding strand, the complement: RECQL4 is on the minus strand). VCF-style: chr8-144516641-G-C. GRCh37 (hg19) VCF-style: chr8-145742025-G-C.
Other names: c.478C>G (NM_004260.3); short protein forms P160A.
Identifiers: ClinVar variation 998544 (VCV000998544.6), dbSNP rs758124770, ClinGen allele CA4949279.

ClinVar aggregate classification (germline): Uncertain significance. Review status: criteria provided, multiple submitters, no conflicts (2 of 4 stars). 2 submissions from 2 submitters: Uncertain significance (2). Last evaluated 2025-03-18.

Conditions:
Baller-Gerold syndrome (BGS). Also called: CRANIOSYNOSTOSIS WITH RADIAL DEFECTS. Identifiers: Orphanet 1225, MedGen C0265308, MONDO:0009039, OMIM 218600.
Inborn genetic diseases. Identifiers: MedGen C0950123, MeSH D030342.

gnomAD v4.1: 2 of 1,608,222 alleles (0.00012%); highest among the groups gnomAD compares: East Asian, 0.0022%; no homozygotes.

Submissions (2):

Ambry Genetics
Classification: Uncertain significance for Inborn genetic diseases. Last evaluated: 2025-03-18. Review status: criteria provided, single submitter. Criteria: Ambry Variant Classification Scheme 2023. Collection method: clinical testing. Allele origin: germline.
Comment: The p.P160A variant (also known as c.478C>G), located in coding exon 5 of the RECQL4 gene, results from a C to G substitution at nucleotide position 478. The proline at codon 160 is replaced by alanine, an amino acid with highly similar properties. This amino acid position is conserved. In addition, this alteration is predicted to be tolerated by in silico analysis. Based on the available evidence, the clinical significance of this variant remains unclear.

Labcorp Genetics (formerly Invitae), Labcorp
Classification: Uncertain significance for Baller-Gerold syndrome. Last evaluated: 2022-10-13. Review status: criteria provided, single submitter. Criteria: Invitae Variant Classification Sherloc (09022015). Collection method: clinical testing. Allele origin: germline.
Comment: In summary, the available evidence is currently insufficient to determine the role of this variant in disease. Therefore, it has been classified as a Variant of Uncertain Significance. Experimental studies and prediction algorithms are not available or were not evaluated, and the functional significance of this variant is currently unknown. ClinVar contains an entry for this variant (Variation ID: 998544). This variant has not been reported in the literature in individuals affected with RECQL4-related conditions. This variant is present in population databases (rs758124770, gnomAD 0.0009%). This sequence change replaces proline, which is neutral and non-polar, with alanine, which is neutral and non-polar, at codon 160 of the RECQL4 protein (p.Pro160Ala).